The following is an entry in ClinVar:

NM_017617.5(NOTCH1):c.2083G>T (p.Asp695Tyr)

Gene: NOTCH1 (notch receptor 1; minus strand). Cytogenetic location: 9q34.3.
Variant type: single nucleotide variant.
Coding change: c.2083G>T on transcript NM_017617.5 (MANE Select); coding-DNA position 2083, G replaced by T.
Protein change: p.Asp695Tyr; replaces aspartic acid 695 with tyrosine.
Molecular consequence: missense variant.
Genome position (GRCh38, 1-based): chr9:136,514,634, C>A on the plus strand (G>T on the coding strand, the complement: NOTCH1 is on the minus strand). VCF-style: chr9-136514634-C-A. GRCh37 (hg19) VCF-style: chr9-139409086-C-A.
Other names: c.2083G>T, p.Asp695Tyr (LRG_1122t1); c.2083G>T (NM_017617.4); short protein forms D695Y.
Identifiers: ClinVar variation 392752 (VCV000392752.22), dbSNP rs767162403, ClinGen allele CA5341489.
Genomic context (GRCh38, chr9:136,514,634, plus strand): 5'-ACAGGCAGGTGGGGTCGTGGTAGCCCTCGGGGCAGCGGCAGGTGAAGCCATTGATGCCGT[C>A]CTCGCAGGTGCCCCCGTTGTGGCAGGGGTTGCCCGCACACTCATCGATGTTGATGTTACA-3'
Protein context (NP_060087.3, residues 685-705): NPCHNGGTCE[Asp695Tyr]GINGFTCRCP

ClinVar aggregate classification (germline): Conflicting classifications of pathogenicity. Review status: criteria provided, conflicting classifications (1 of 4 stars). 4 submissions from 4 submitters: Uncertain significance (3); Likely benign (1). Last evaluated 2025-10-29.

Conditions:
NOTCH1-related disorder. Also called: NOTCH1-related disorders; NOTCH1-related condition.
Adams-Oliver syndrome 5 (AOS5). Identifiers: Orphanet 974, MedGen C4014970, MONDO:0014459, OMIM 616028.

Allele frequency attached by ClinVar (database versions not stated): ExAC 0.00002.
gnomAD v4.1: 4 of 1,612,078 alleles (0.00025%); highest among the groups gnomAD compares: South Asian, 0.0011%; no homozygotes.

Submissions (4):

PreventionGenetics, part of Exact Sciences
Classification: Uncertain significance for NOTCH1-related condition. Last evaluated: 2025-10-29. Review status: criteria provided, single submitter. Criteria: ACMG Guidelines, 2015. Collection method: clinical testing. Allele origin: germline.
Comment: The NOTCH1 c.2083G>T variant is predicted to result in the amino acid substitution p.Asp695Tyr. To our knowledge, this variant has not been reported in the literature. This variant is reported in 0.0033% of alleles in individuals of South Asian descent in gnomAD. At this time, the clinical significance of this variant is uncertain due to the absence of conclusive functional and genetic evidence.

Labcorp Genetics (formerly Invitae), Labcorp
Classification: Likely benign for Adams-Oliver syndrome 5. Last evaluated: 2024-12-08. Review status: criteria provided, single submitter. Criteria: Invitae Variant Classification Sherloc (09022015). Collection method: clinical testing. Allele origin: germline.

CeGaT Center for Human Genetics Tuebingen
Classification: Uncertain significance. Last evaluated: 2024-07-01. Review status: criteria provided, single submitter. Criteria: CeGaT Center For Human Genetics Tuebingen Variant Classification Criteria Version 2. Collection method: clinical testing. Allele origin: germline. Affected: yes. Observed: 1 variant allele.

GeneDx
Classification: Uncertain significance. Last evaluated: 2017-01-13. Review status: criteria provided, single submitter. Criteria: GeneDx Variant Classification (06012015). Collection method: clinical testing. Allele origin: germline. Affected: yes.
Comment: A variant of uncertain significance has been identified in the NOTCH1 gene. The D695Y variant has not been published as a pathogenic variant, nor has it been reported as a benign variant to our knowledge. This variant was not observed in approximately 6,400 individuals of European and African American ancestry in the NHLBI Exome Sequencing Project, indicating it is not a common benign variant in these populations. The D695Y variant is a non-conservative amino acid substitution, which is likely to impact secondary protein structure as these residues differ in polarity, charge, size and/or other properties. This substitution occurs at a position that is conserved across species. In silico analysis predicts this variant is probably damaging to the protein structure/function. However, this variant lacks observation in a significant number of affected individuals, segregation data, and functional evidence, which would further clarify its pathogenicity.